The following is an entry in ClinVar:

NM_001005465.2(OR10G3):c.309T>C (p.Tyr103=)

Gene: OR10G3 (olfactory receptor family 10 subfamily G member 3; minus strand). Cytogenetic location: 14q11.2.
Variant type: single nucleotide variant.
Coding change: c.309T>C on transcript NM_001005465.2 (MANE Select); coding-DNA position 309, T replaced by C.
Protein change: p.Tyr103=; no amino-acid change (tyrosine 103 retained).
Molecular consequence: synonymous variant.
Genome position (GRCh38, 1-based): chr14:21,570,436, A>G on the plus strand (T>C on the coding strand, the complement: OR10G3 is on the minus strand). VCF-style: chr14-21570436-A-G. GRCh37 (hg19) VCF-style: chr14-22038567-A-G.
Identifiers: ClinVar variation 2644072 (VCV002644072.24), dbSNP rs114273821, ClinGen allele CA7094156.

ClinVar aggregate classification (germline): Likely benign (1 of 4 stars; one submission).

Allele frequency attached by ClinVar (database versions not stated): ExAC 0.00054; gnomAD 0.00165; ESP Exome Variant Server 0.00192; TOPMed 0.00199; 1000 Genomes Project 30x 0.00250; 1000 Genomes Project 0.00260.
gnomAD v4.1: 516 of 1,614,052 alleles (0.032%); highest among the groups gnomAD compares: African/African-American, 0.62%; 3 homozygotes.

Submission:

CeGaT Center for Human Genetics Tuebingen
Classification: Likely benign. Last evaluated: 2022-12-01. Review status: criteria provided, single submitter. Criteria: CeGaT Center For Human Genetics Tuebingen Variant Classification Criteria Version 2. Collection method: clinical testing. Allele origin: germline. Affected: yes. Observed: 1 variant allele.
Comment: OR10G3: BP4, BP7, BS2